The following is an entry in ClinVar:

ClinVar aggregate classification (germline): Uncertain significance (1 of 4 stars; one submission).

Conditions:
Developmental and epileptic encephalopathy, 13 (DEE13). Also called: Early infantile epileptic encephalopathy 13; SCN8A-Related Epilepsy; Developmental and Epileptic Encephalopathy (SCN8A-DEE). Identifiers: Orphanet 442835, MedGen C3281191, MONDO:0013801, OMIM 614558.

Submission:

Juno Genomics, Hangzhou Juno Genomics, Inc
Classification: Uncertain significance for Developmental and epileptic encephalopathy, 13. Review status: criteria provided, single submitter. Criteria: ACMG Guidelines, 2015. Collection method: clinical testing. Allele origin: germline. Affected: yes.
Comment: Absent from controls (or at extremely low frequency if recessive) in Genome Aggregation Database.;Multiple lines of computational evidence support a deleterious effect on the gene or gene product.

NM_001330260.2(SCN8A):c.595T>G (p.Phe199Val)

Gene: SCN8A (sodium voltage-gated channel alpha subunit 8; plus strand). Cytogenetic location: 12q13.13.
Variant type: single nucleotide variant.
Coding change: c.595T>G on transcript NM_001330260.2 (MANE Select); coding-DNA position 595, T replaced by G.
Protein change: p.Phe199Val; replaces phenylalanine 199 with valine.
Molecular consequence: missense variant.
Genome position (GRCh38, 1-based): chr12:51,687,200, T>G. VCF-style: chr12-51687200-T-G. GRCh37 (hg19) VCF-style: chr12-52080984-T-G.
Other names: c.595T>G, p.Phe199Val (NM_001177984.3, NM_001369788.1, NM_014191.4); short protein forms F199V.
Identifiers: ClinVar variation 5018648 (VCV005018648.1).
Genomic context (GRCh38, chr12:51,687,200, plus strand): 5'-GCAAGAGGTTTCTGCATAGATGGCTTTACCTTTTTACGGGACCCATGGAACTGGTTAGAT[T>G]TCAGTGTCATCATGATGGCGTAAGTTCTCCCCTTACTTTATTGGTGTTCTGGGTGTGATT-3'
Protein context (NP_001317189.1, residues 189-209): FLRDPWNWLD[Phe199Val]SVIMMAYVTE